The following is an entry in ClinVar:

NM_001364905.1(LRBA):c.4877C>T (p.Ala1626Val)

Gene: LRBA (LPS responsive beige-like anchor protein; minus strand). Cytogenetic location: 4q31.3.
Variant type: single nucleotide variant.
Coding change: c.4877C>T on transcript NM_001364905.1 (MANE Select); coding-DNA position 4877, C replaced by T.
Protein change: p.Ala1626Val; replaces alanine 1626 with valine.
Molecular consequence: missense variant.
Genome position (GRCh38, 1-based): chr4:150,828,474, G>A on the plus strand (C>T on the coding strand, the complement: LRBA is on the minus strand). VCF-style: chr4-150828474-G-A. GRCh37 (hg19) VCF-style: chr4-151749626-G-A.
Other names: c.4877C>T, p.Ala1626Val (NM_001199282.3, NM_001367550.1, NM_006726.5); short protein forms A1626V.
Identifiers: ClinVar variation 955157 (VCV000955157.4), dbSNP rs377211427, ClinGen allele CA3102628.

ClinVar aggregate classification (germline): Uncertain significance (1 of 4 stars; one submission).

Conditions:
Combined immunodeficiency due to LRBA deficiency. Also called: Common variable immunodeficiency 8, with autoimmunity. Identifiers: Orphanet 445018, MedGen C3553512, MONDO:0013863, OMIM 614700.

Allele frequency attached by ClinVar (database versions not stated): ExAC 0.00001; gnomAD 0.00003 and 0.00004; TOPMed 0.00003; gnomAD exomes 0.00004 and 0.00005; ESP Exome Variant Server 0.00008.
gnomAD v4.1: 92 of 1,613,992 alleles (0.0057%); highest among the groups gnomAD compares: Non-Finnish European, 0.0067%; no homozygotes.

Submission:

Labcorp Genetics (formerly Invitae), Labcorp
Classification: Uncertain significance for Combined immunodeficiency due to LRBA deficiency. Last evaluated: 2021-09-01. Review status: criteria provided, single submitter. Criteria: Invitae Variant Classification Sherloc (09022015). Collection method: clinical testing. Allele origin: germline.
Comment: This sequence change replaces alanine with valine at codon 1626 of the LRBA protein (p.Ala1626Val). The alanine residue is weakly conserved and there is a small physicochemical difference between alanine and valine. This variant is present in population databases (rs377211427, ExAC 0.001%). This variant has not been reported in the literature in individuals affected with LRBA-related conditions. Algorithms developed to predict the effect of missense changes on protein structure and function output the following: SIFT: "Tolerated"; PolyPhen-2: "Benign"; Align-GVGD: "Class C0". The valine amino acid residue is found in multiple mammalian species, which suggests that this missense change does not adversely affect protein function. In summary, the available evidence is currently insufficient to determine the role of this variant in disease. Therefore, it has been classified as a Variant of Uncertain Significance.